The following is an entry in ClinVar:

ClinVar aggregate classification (germline): Uncertain significance (0 of 4 stars; one submission).

Conditions:
SH2B1-related disorder. Also called: SH2B1-related condition.

gnomAD v4.1: 30 of 1,614,056 alleles (0.0019%); highest among the groups gnomAD compares: African/African-American, 0.015%; no homozygotes.

Submission:

PreventionGenetics, part of Exact Sciences
Classification: Uncertain significance for SH2B1-related condition. Last evaluated: 2024-04-29. Review status: no assertion criteria provided. Collection method: clinical testing. Allele origin: germline.
Comment: The SH2B1 c.985G>A variant is predicted to result in the amino acid substitution p.Val329Ile. To our knowledge, this variant has not been reported in the literature. This variant is reported in 0.0080% of alleles in individuals of African descent in gnomAD. At this time, the clinical significance of this variant is uncertain due to the absence of conclusive functional and genetic evidence.

NM_001387430.1(SH2B1):c.985G>A (p.Val329Ile)

Gene: SH2B1 (SH2B adaptor protein 1; plus strand). Cytogenetic location: 16p11.2.
Variant type: single nucleotide variant.
Coding change: c.985G>A on transcript NM_001387430.1 (MANE Select); coding-DNA position 985, G replaced by A.
Protein change: p.Val329Ile; replaces valine 329 with isoleucine.
Molecular consequence: missense variant. On other transcripts: 5 prime UTR variant (1).
Genome position (GRCh38, 1-based): chr16:28,867,376, G>A. VCF-style: chr16-28867376-G-A. GRCh37 (hg19) VCF-style: chr16-28878697-G-A.
Other names: c.985G>A, p.Val329Ile (NM_001145795.2, NM_001145796.2, NM_001145797.2 and 4 more transcripts); c.-24G>A (NM_001308294.2); short protein forms V329I.
Identifiers: ClinVar variation 3352730 (VCV003352730.1).